The following is an entry in ClinVar:

ClinVar aggregate classification (germline): Conflicting classifications of pathogenicity. Review status: criteria provided, conflicting classifications (1 of 4 stars). 2 submissions from 2 submitters: Uncertain significance (1); Likely benign (1). Last evaluated 2017-12-12.

Allele frequency attached by ClinVar (database versions not stated): gnomAD 0.00002; TOPMed 0.00002.

Submissions (2):

Athena Diagnostics
Classification: Uncertain significance. Last evaluated: 2017-12-12. Review status: criteria provided, single submitter. Criteria: Athena Diagnostics Criteria. Collection method: clinical testing. Allele origin: germline.

GeneDx
Classification: Likely benign. Last evaluated: 2017-06-16. Review status: criteria provided, single submitter. Criteria: GeneDx Variant Classification (06012015). Collection method: clinical testing. Allele origin: germline. Affected: yes.
Comment: This variant is considered likely benign or benign based on one or more of the following criteria: it is a conservative change, it occurs at a poorly conserved position in the protein, it is predicted to be benign by multiple in silico algorithms, and/or has population frequency not consistent with disease.

NM_000166.6(GJB1):c.-27C>T

Gene: GJB1 (gap junction protein beta 1; plus strand). Cytogenetic location: Xq13.1.
Variant type: single nucleotide variant.
Coding change: c.-27C>T on transcript NM_000166.6 (MANE Select); 27 bases upstream of the start codon, C replaced by T.
Molecular consequence: 5 prime UTR variant. On other transcripts: intron variant (1).
Genome position (GRCh38, 1-based): chrX:71,223,325, C>T. VCF-style: chrX-71223325-C-T. GRCh37 (hg19) VCF-style: chrX-70443175-C-T.
Other names: c.-16-367C>T (NM_001097642.3).
Identifiers: ClinVar variation 246214 (VCV000246214.1), dbSNP rs879254157, ClinGen allele CA10584631.
Genomic context (GRCh38, chrX:71,223,325, plus strand): 5'-CACTCCCCCTGCACAGACATGAGACCATAGGGGACCTGTCTGGGTGGCCTCAGGGATAGG[C>T]GCTCCCCAAGGTAAGAGGGCTTTGTTGAGTTTGCCCCAGGTCTGGAGTTAAGGAGCTAGG-3'